The following is an entry in ClinVar:

NM_001197104.2(KMT2A):c.552C>G (p.Asp184Glu)

Gene: KMT2A (lysine methyltransferase 2A; plus strand). Cytogenetic location: 11q23.3.
Variant type: single nucleotide variant.
Coding change: c.552C>G on transcript NM_001197104.2 (MANE Select); coding-DNA position 552, C replaced by G.
Protein change: p.Asp184Glu; replaces aspartic acid 184 with glutamic acid.
Molecular consequence: missense variant.
Genome position (GRCh38, 1-based): chr11:118,471,711, C>G. VCF-style: chr11-118471711-C-G. GRCh37 (hg19) VCF-style: chr11-118342426-C-G.
Other names: c.651C>G, p.Asp217Glu (NM_001412597.1); c.552C>G, p.Asp184Glu (NM_005933.4); short protein forms D184E, D217E.
Identifiers: ClinVar variation 2119713 (VCV002119713.4), dbSNP rs1949945004, ClinGen allele CA382806698.
Genomic context (GRCh38, chr11:118,471,711, plus strand): 5'-TCTATACACAGTTAAAACTAGTCCTCGAAAACCTCGTGGGAGACCTAGAAGTGGCTCTGA[C>G]CGAAATTCAGCTATCCTCTCAGATCCATCTGTGTTTTCCCCTCTAAATAAATCAGAGACC-3'
Protein context (NP_001184033.1, residues 174-194): KPRGRPRSGS[Asp184Glu]RNSAILSDPS

ClinVar aggregate classification (germline): Uncertain significance (1 of 4 stars; one submission).

Submission:

Labcorp Genetics (formerly Invitae), Labcorp
Classification: Uncertain significance. Last evaluated: 2022-03-30. Review status: criteria provided, single submitter. Criteria: Invitae Variant Classification Sherloc (09022015). Collection method: clinical testing. Allele origin: germline.
Comment: This variant is not present in population databases (gnomAD no frequency). This sequence change replaces aspartic acid, which is acidic and polar, with glutamic acid, which is acidic and polar, at codon 184 of the KMT2A protein (p.Asp184Glu). This variant has not been reported in the literature in individuals affected with KMT2A-related conditions. In summary, the available evidence is currently insufficient to determine the role of this variant in disease. Therefore, it has been classified as a Variant of Uncertain Significance. Advanced modeling of protein sequence and biophysical properties (such as structural, functional, and spatial information, amino acid conservation, physicochemical variation, residue mobility, and thermodynamic stability) performed at Invitae indicates that this missense variant is not expected to disrupt KMT2A protein function.